The following is an entry in ClinVar:

NM_000081.4(LYST):c.9517T>C (p.Tyr3173His)

Gene: LYST (lysosomal trafficking regulator; minus strand). Cytogenetic location: 1q42.3.
Variant type: single nucleotide variant.
Coding change: c.9517T>C on transcript NM_000081.4 (MANE Select); coding-DNA position 9517, T replaced by C.
Protein change: p.Tyr3173His; replaces tyrosine 3173 with histidine.
Molecular consequence: missense variant.
Genome position (GRCh38, 1-based): chr1:235,720,704, A>G on the plus strand (T>C on the coding strand, the complement: LYST is on the minus strand). VCF-style: chr1-235720704-A-G. GRCh37 (hg19) VCF-style: chr1-235884004-A-G.
Other names: c.9517T>C, p.Tyr3173His (NM_001301365.1); short protein forms Y3173H.
Identifiers: ClinVar variation 649378 (VCV000649378.3), dbSNP rs772543665, ClinGen allele CA1465582.

ClinVar aggregate classification (germline): Uncertain significance (1 of 4 stars; one submission).

Conditions:
Chédiak-Higashi syndrome (CHS). Also called: Chediak-Higashi Syndrome. Identifiers: Orphanet 167, MedGen C0007965, MONDO:0008963, OMIM 214500.

Allele frequency attached by ClinVar (database versions not stated): TOPMed below 0.00001; ExAC 0.00001; gnomAD exomes 0.00001.
gnomAD v4.1: 15 of 1,613,716 alleles (0.00093%); highest among the groups gnomAD compares: Non-Finnish European, 0.0013%; no homozygotes.

Submission:

Labcorp Genetics (formerly Invitae), Labcorp
Classification: Uncertain significance for Chédiak-Higashi syndrome. Last evaluated: 2021-08-24. Review status: criteria provided, single submitter. Criteria: Invitae Variant Classification Sherloc (09022015). Collection method: clinical testing. Allele origin: germline.
Comment: This sequence change replaces tyrosine with histidine at codon 3173 of the LYST protein (p.Tyr3173His). The tyrosine residue is highly conserved and there is a moderate physicochemical difference between tyrosine and histidine. This variant is present in population databases (rs772543665, ExAC 0.001%). This variant has not been reported in the literature in individuals affected with LYST-related conditions. Algorithms developed to predict the effect of missense changes on protein structure and function are either unavailable or do not agree on the potential impact of this missense change (SIFT: "Deleterious"; PolyPhen-2: "Possibly Damaging"; Align-GVGD: "Class C0"). In summary, the available evidence is currently insufficient to determine the role of this variant in disease. Therefore, it has been classified as a Variant of Uncertain Significance.